The following is an entry in ClinVar:

NM_001127222.2(CACNA1A):c.3076C>G (p.His1026Asp)

Gene: CACNA1A (calcium voltage-gated channel subunit alpha1 A; minus strand). Cytogenetic location: 19p13.13.
Variant type: single nucleotide variant.
Coding change: c.3076C>G on transcript NM_001127222.2 (MANE Select); coding-DNA position 3076, C replaced by G.
Protein change: p.His1026Asp; replaces histidine 1026 with aspartic acid.
Molecular consequence: missense variant.
Genome position (GRCh38, 1-based): chr19:13,298,557, G>C on the plus strand (C>G on the coding strand, the complement: CACNA1A is on the minus strand). VCF-style: chr19-13298557-G-C. GRCh37 (hg19) VCF-style: chr19-13409371-G-C.
Other names: c.3088C>G, p.His1030Asp (NM_000068.4, NM_023035.3); c.3079C>G, p.His1027Asp (NM_001127221.2, NM_001174080.2); short protein forms H1026D, H1027D, H1030D.
Identifiers: ClinVar variation 3376062 (VCV003376062.1).

ClinVar aggregate classification (germline): Uncertain significance (1 of 4 stars; one submission).

Submission:

GeneDx
Classification: Uncertain significance. Last evaluated: 2024-05-04. Review status: criteria provided, single submitter. Criteria: GeneDx Variant Classification Process June 2021. Collection method: clinical testing. Allele origin: germline. Affected: yes.
Comment: Not observed at significant frequency in large population cohorts (gnomAD); In silico analysis supports that this missense variant has a deleterious effect on protein structure/function; Has not been previously published as pathogenic or benign to our knowledge